The following is an entry in ClinVar:

ClinVar aggregate classification (germline): Pathogenic/Likely pathogenic. Review status: criteria provided, multiple submitters, no conflicts (2 of 4 stars). 2 submissions from 2 submitters: Pathogenic (1); Likely pathogenic (1). Last evaluated 2025-05-02.

Conditions:
Hawkinsinuria. Identifiers: Orphanet 2118, MedGen C2931042, MONDO:0007700, OMIM 140350, HP:0034457.
Tyrosinemia type III. Also called: Tyrosinemia type 3; 4-alpha hydroxyphenylpyruvic acid oxidase deficiency; 4-alpha hydroxyphenylpyruvate dioxygenase deficiency; 4-Hydroxyphenylpyruvate dioxygenase deficiency; 4-HYDROXYPHENYLPYRUVIC ACID OXIDASE DEFICIENCY. Identifiers: Orphanet 69723, MedGen C0268623, MONDO:0010162, OMIM 276710.

gnomAD v4.1: 8 of 1,614,114 alleles (0.0005%); highest among the groups gnomAD compares: South Asian, 0.0011%; no homozygotes.

Submissions (2):

Labcorp Genetics (formerly Invitae), Labcorp
Classification: Pathogenic for Tyrosinemia type III; Hawkinsinuria. Last evaluated: 2025-05-02. Review status: criteria provided, single submitter. Criteria: Invitae Variant Classification Sherloc (09022015). Collection method: clinical testing. Allele origin: germline.
Comment: This sequence change creates a premature translational stop signal (p.Arg225*) in the HPD gene. It is expected to result in an absent or disrupted protein product. Loss-of-function variants in HPD are known to be pathogenic (PMID: 10942115, 23036342). This variant is present in population databases (rs765923504, gnomAD 0.01%). This variant has not been reported in the literature in individuals affected with HPD-related conditions. ClinVar contains an entry for this variant (Variation ID: 3574324). For these reasons, this variant has been classified as Pathogenic.

Fulgent Genetics
Classification: Likely pathogenic for Hawkinsinuria; Tyrosinemia type III. Last evaluated: 2024-01-30. Review status: criteria provided, single submitter. Criteria: ACMG Guidelines, 2015. Collection method: clinical testing. Allele origin: germline.

Literature cited by the submitters: PubMed 10942115 (cited by Labcorp Genetics (formerly Invitae), Labcorp); PubMed 23036342 (cited by Labcorp Genetics (formerly Invitae), Labcorp).

NM_002150.3(HPD):c.673C>T (p.Arg225Ter)

Genes: HPD (4-hydroxyphenylpyruvate dioxygenase; minus strand), TIALD (transcript inducer of AURKA lysosomal degradation; plus strand). Cytogenetic location: 12q24.31.
Variant type: single nucleotide variant.
Coding change: c.673C>T on transcript NM_002150.3 (MANE Select); coding-DNA position 673, C replaced by T.
Protein change: p.Arg225Ter; replaces arginine 225 with a stop codon.
Molecular consequence: nonsense.
Genome position (GRCh38, 1-based): chr12:121,847,138, G>A on the plus strand (C>T on the coding strand, the complement: HPD is on the minus strand). VCF-style: chr12-121847138-G-A. GRCh37 (hg19) VCF-style: chr12-122285044-G-A.
Other names: c.556C>T, p.Arg186Ter (NM_001171993.2); short protein forms R225*, R186*.
Identifiers: ClinVar variation 3574324 (VCV003574324.2).